The following is an entry in ClinVar:

NM_138295.5(PKD1L1):c.6760C>T (p.Arg2254Cys)

Gene: PKD1L1 (polycystin 1 like 1, transient receptor potential channel interacting; minus strand). Cytogenetic location: 7p12.3.
Variant type: single nucleotide variant.
Coding change: c.6760C>T on transcript NM_138295.5 (MANE Select); coding-DNA position 6760, C replaced by T.
Protein change: p.Arg2254Cys; replaces arginine 2254 with cysteine.
Molecular consequence: missense variant.
Genome position (GRCh38, 1-based): chr7:47,827,444, G>A on the plus strand (C>T on the coding strand, the complement: PKD1L1 is on the minus strand). VCF-style: chr7-47827444-G-A. GRCh37 (hg19) VCF-style: chr7-47867042-G-A.
Other names: short protein forms R2254C.
Identifiers: ClinVar variation 3419091 (VCV003419091.4).

ClinVar aggregate classification (germline): Uncertain significance. Review status: criteria provided, multiple submitters, no conflicts (2 of 4 stars). 3 submissions from 3 submitters: Uncertain significance (3). Last evaluated 2026-08-05.

Conditions:
Inborn genetic diseases. Identifiers: MedGen C0950123, MeSH D030342.
PKD1L1-related disorder. Also called: PKD1L1-related condition.

gnomAD v4.1: 37 of 1,610,988 alleles (0.0023%); highest among the groups gnomAD compares: African/African-American, 0.047%; no homozygotes.

Submissions (3):

GeneDx
Classification: Uncertain significance. Last evaluated: 2026-08-05. Review status: criteria provided, single submitter. Criteria: GeneDx Variant Classification Process June 2021. Collection method: clinical testing. Allele origin: germline.
Comment: In silico analysis supports that this missense variant has a deleterious effect on protein structure/function; Has not been previously published as pathogenic or benign to our knowledge

PreventionGenetics, part of Exact Sciences
Classification: Uncertain significance for PKD1L1-related condition. Last evaluated: 2026-06-21. Review status: criteria provided, single submitter. Criteria: ACMG Guidelines, 2015. Collection method: clinical testing. Allele origin: germline.
Comment: The PKD1L1 c.6760C>T variant is predicted to result in the amino acid substitution p.Arg2254Cys. To our knowledge, this variant has not been reported in the literature. This variant is reported in 0.049% of alleles in individuals of African descent in gnomAD. At this time, the clinical significance of this variant is uncertain due to the absence of conclusive functional and genetic evidence.

Ambry Genetics
Classification: Uncertain significance for Inborn genetic diseases. Last evaluated: 2024-10-08. Review status: criteria provided, single submitter. Criteria: Ambry Variant Classification Scheme 2023. Collection method: clinical testing. Allele origin: germline.